The following is an entry in ClinVar:

ClinVar aggregate classification (germline): Uncertain significance (1 of 4 stars; one submission).

gnomAD v4.1: 8 of 1,600,876 alleles (0.0005%); highest among the groups gnomAD compares: Non-Finnish European, 0.00068%; no homozygotes.

Submission:

Labcorp Genetics (formerly Invitae), Labcorp
Classification: Uncertain significance. Last evaluated: 2024-08-31. Review status: criteria provided, single submitter. Criteria: Invitae Variant Classification Sherloc (09022015). Collection method: clinical testing. Allele origin: germline.
Comment: This sequence change replaces methionine, which is neutral and non-polar, with threonine, which is neutral and polar, at codon 38 of the COX8A protein (p.Met38Thr). This variant is present in population databases (no rsID available, gnomAD 0.003%). This variant has not been reported in the literature in individuals affected with COX8A-related conditions. An algorithm developed to predict the effect of missense changes on protein structure and function outputs the following: PolyPhen-2: "Benign". The threonine amino acid residue is found in multiple mammalian species, which suggests that this missense change does not adversely affect protein function. In summary, the available evidence is currently insufficient to determine the role of this variant in disease. Therefore, it has been classified as a Variant of Uncertain Significance.

NM_004074.3(COX8A):c.113T>C (p.Met38Thr)

Genes: COX8A (cytochrome c oxidase subunit 8A; plus strand), LOC130005904 (ATAC-STARR-seq lymphoblastoid active region 4880; plus strand). Cytogenetic location: 11q13.1.
Variant type: single nucleotide variant.
Coding change: c.113T>C on transcript NM_004074.3 (MANE Select); coding-DNA position 113, T replaced by C.
Protein change: p.Met38Thr; replaces methionine 38 with threonine.
Molecular consequence: missense variant.
Genome position (GRCh38, 1-based): chr11:63,974,793, T>C. VCF-style: chr11-63974793-T-C. GRCh37 (hg19) VCF-style: chr11-63742265-T-C.
Other names: short protein forms M38T.
Identifiers: ClinVar variation 3683577 (VCV003683577.2).